The following is an entry in ClinVar:

NM_018406.7(MUC4):c.3718G>T (p.Ala1240Ser)

Gene: MUC4 (mucin 4, cell surface associated). Cytogenetic location: 3q29.
Variant type: single nucleotide variant.
Coding change: c.3718G>T on transcript NM_018406.7 (MANE Select); coding-DNA position 3718, G replaced by T.
Protein change: p.Ala1240Ser; replaces alanine 1240 with serine.
Molecular consequence: missense variant. On other transcripts: no sequence alteration (1), genic upstream transcript variant (2).
Genome position (GRCh38, 1-based): chr3:195,787,862, C>A on the plus strand (G>T on the coding strand, the complement: MUC4 is on the minus strand). VCF-style: chr3-195787862-C-A. GRCh37 (hg19) VCF-style: chr3-195514733-C-A.
Other names: c.4597=, p.Ser1533= (NM_001322468.1); c.83-13557G>T (NM_138297.5); c.83-9407G>T (NM_004532.6); short protein forms A1240S.
Identifiers: ClinVar variation 403124 (VCV000403124.5), dbSNP rs201433788, ClinGen allele CA2774465.

ClinVar aggregate classification (germline): Benign. Review status: criteria provided, multiple submitters, no conflicts (2 of 4 stars). 2 submissions from 2 submitters: Benign (2). Last evaluated 2016-03-29.

Allele frequency attached by ClinVar (database versions not stated): ExAC 0.51117; gnomAD exomes 0.63246.

Submissions (2):

Laboratory for Molecular Medicine, Mass General Brigham Personalized Medicine
Classification: Benign. Last evaluated: 2016-03-29. Review status: criteria provided, single submitter. Criteria: LMM Criteria. Collection method: clinical testing. Allele origin: germline.
Comment: Variant identified in a genome or exome case(s) and assessed due to predicted null impact of the variant or pathogenic assertions in the literature or databases. Disclaimer: This variant has not undergone full assessment. The following are preliminary notes: Frequency

Breakthrough Genomics
Classification: Benign. Review status: criteria provided, single submitter. Criteria: ACMG Guidelines, 2015. Collection method: not provided. Allele origin: germline. Inheritance: Unknown mechanism. Affected: yes.